The following is an entry in ClinVar:

ClinVar aggregate classification (germline): Uncertain significance (1 of 4 stars; one submission).

Conditions:
Retinitis pigmentosa 54 (RP54). Identifiers: Orphanet 791, MedGen C3150691, MONDO:0013263, OMIM 613428.

Submission:

Dubai Health Genomic Medicine Center, Dubai Health
Classification: Uncertain significance for Retinitis pigmentosa 54. Last evaluated: 2020-12-07. Review status: criteria provided, single submitter. Criteria: ACMG Guidelines, 2015. Collection method: clinical testing. Allele origin: germline. Affected: yes.
Comment: The p.Pro980Ser missense variant in the PCARE gene has not been previosuly reported in affected individuals and was absent from large population studies such as the Genome Aggregation Database (gnomAD) and the Greater Middle East (GME) variome database. Computational prediction tools and conservation analysis do not suggest an impact to protein function though this information is not predictive enough to rule out pathogenicity. In summary more information is needed to full assess the clinical significance of this variant.

NM_001029883.3(PCARE):c.2938C>T (p.Pro980Ser)

Gene: PCARE (photoreceptor cilium actin regulator; minus strand). Cytogenetic location: 2p23.2.
Variant type: single nucleotide variant.
Coding change: c.2938C>T on transcript NM_001029883.3 (MANE Select); coding-DNA position 2938, C replaced by T.
Protein change: p.Pro980Ser; replaces proline 980 with serine.
Molecular consequence: missense variant.
Genome position (GRCh38, 1-based): chr2:29,071,324, G>A on the plus strand (C>T on the coding strand, the complement: PCARE is on the minus strand). VCF-style: chr2-29071324-G-A. GRCh37 (hg19) VCF-style: chr2-29294190-G-A.
Other names: short protein forms P980S.
Identifiers: ClinVar variation 1301554 (VCV001301554.2), dbSNP rs2148415249, ClinGen allele CA346476118.